The following is an entry in ClinVar:

NM_001710.6(CFB):c.1462A>G (p.Thr488Ala)

Gene: CFB (complement factor B; plus strand). Cytogenetic location: 6p21.33.
Variant type: single nucleotide variant.
Coding change: c.1462A>G on transcript NM_001710.6 (MANE Select); coding-DNA position 1462, A replaced by G.
Protein change: p.Thr488Ala; replaces threonine 488 with alanine.
Molecular consequence: missense variant.
Genome position (GRCh38, 1-based): chr6:31,950,103, A>G. VCF-style: chr6-31950103-A-G. GRCh37 (hg19) VCF-style: chr6-31917880-A-G.
Other names: short protein forms T488A.
Identifiers: ClinVar variation 2843161 (VCV002843161.3), dbSNP rs2482701359, ClinGen allele CA363405348.

ClinVar aggregate classification (germline): Uncertain significance (1 of 4 stars; one submission).

Submission:

Labcorp Genetics (formerly Invitae), Labcorp
Classification: Uncertain significance. Last evaluated: 2023-03-06. Review status: criteria provided, single submitter. Criteria: Invitae Variant Classification Sherloc (09022015). Collection method: clinical testing. Allele origin: germline.
Comment: In summary, the available evidence is currently insufficient to determine the role of this variant in disease. Therefore, it has been classified as a Variant of Uncertain Significance. This sequence change replaces threonine, which is neutral and polar, with alanine, which is neutral and non-polar, at codon 488 of the CFB protein (p.Thr488Ala). This variant is not present in population databases (gnomAD no frequency). This variant has not been reported in the literature in individuals affected with CFB-related conditions. Advanced modeling of protein sequence and biophysical properties (such as structural, functional, and spatial information, amino acid conservation, physicochemical variation, residue mobility, and thermodynamic stability) performed at Invitae indicates that this missense variant is not expected to disrupt CFB protein function.